The following is an entry in ClinVar:

NM_130837.3(OPA1):c.820C>T (p.Gln274Ter)

Gene: OPA1 (OPA1 mitochondrial dynamin like GTPase; plus strand). Cytogenetic location: 3q29.
Variant type: single nucleotide variant.
Coding change: c.820C>T on transcript NM_130837.3 (MANE Select); coding-DNA position 820, C replaced by T.
Protein change: p.Gln274Ter; replaces glutamine 274 with a stop codon.
Molecular consequence: nonsense.
Genome position (GRCh38, 1-based): chr3:193,631,642, C>T. VCF-style: chr3-193631642-C-T. GRCh37 (hg19) VCF-style: chr3-193349431-C-T.
Other names: c.286C>T, p.Gln96Ter (NM_001354663.2); c.283C>T, p.Gln95Ter (NM_001354664.2); c.655C>T, p.Gln219Ter (NM_015560.3); c.547C>T, p.Gln183Ter (NM_130831.3); c.601C>T, p.Gln201Ter (NM_130832.3); c.658C>T, p.Gln220Ter (NM_130833.3); c.709C>T, p.Gln237Ter (NM_130834.3); c.712C>T, p.Gln238Ter (NM_130835.3); and 1 more; short protein forms Q183*, Q201*, Q219*, Q220*, Q237*, Q238*, Q256*, Q274*.
Identifiers: ClinVar variation 1012713 (VCV001012713.39), dbSNP rs1732086609, ClinGen allele CA355785910.

ClinVar aggregate classification (germline): Pathogenic. Review status: criteria provided, multiple submitters, no conflicts (2 of 4 stars). 3 submissions from 3 submitters: Pathogenic (2). 1 of the submissions does not count toward it. Last evaluated 2025-04-01.

Conditions:
Optic atrophy. Identifiers: MedGen C0029124, MONDO:0003608, HP:0000648.

Submissions (3):

Labcorp Genetics (formerly Invitae), Labcorp
Classification: Pathogenic. Last evaluated: 2025-04-01. Review status: criteria provided, single submitter. Criteria: Invitae Variant Classification Sherloc (09022015). Collection method: clinical testing. Allele origin: germline.
Comment: This sequence change creates a premature translational stop signal (p.Gln219*) in the OPA1 gene. It is expected to result in an absent or disrupted protein product. Loss-of-function variants in OPA1 are known to be pathogenic (PMID: 11440988, 20157015, 20952381, 25012220). This variant is not present in population databases (gnomAD no frequency). This premature translational stop signal has been observed in individual(s) with optic atrophy (PMID: 21036400). ClinVar contains an entry for this variant (Variation ID: 1012713). For these reasons, this variant has been classified as Pathogenic.

CeGaT Center for Human Genetics Tuebingen
Classification: Pathogenic. Last evaluated: 2020-10-01. Review status: criteria provided, single submitter. Criteria: CeGaT Center For Human Genetics Tuebingen Variant Classification Criteria Version 2. Collection method: clinical testing. Allele origin: germline. Affected: yes. Observed: 1 variant allele.

Institute of Human Genetics, Univ. Regensburg, Univ. Regensburg
Classification: Pathogenic for Optic atrophy. Last evaluated: 2021-01-01. Review status: no assertion criteria provided. Criteria: ACMG Guidelines, 2015. Collection method: clinical testing. Allele origin: germline. Affected: yes. Not counted in ClinVar's aggregate classification.

Literature cited by the submitters: PubMed 11440988 (cited by Labcorp Genetics (formerly Invitae), Labcorp); PubMed 20157015 (cited by Labcorp Genetics (formerly Invitae), Labcorp); PubMed 20952381 (cited by Labcorp Genetics (formerly Invitae), Labcorp); PubMed 25012220 (cited by Labcorp Genetics (formerly Invitae), Labcorp); PubMed 21036400 (cited by Labcorp Genetics (formerly Invitae), Labcorp).